The following is an entry in ClinVar:

NM_006058.5(TNIP1):c.451C>G (p.Pro151Ala)

Gene: TNIP1 (TNFAIP3 interacting protein 1; minus strand). Cytogenetic location: 5q33.1.
Variant type: single nucleotide variant.
Coding change: c.451C>G on transcript NM_006058.5 (MANE Select); coding-DNA position 451, C replaced by G.
Protein change: p.Pro151Ala; replaces proline 151 with alanine.
Molecular consequence: missense variant.
Genome position (GRCh38, 1-based): chr5:151,056,942, G>C on the plus strand (C>G on the coding strand, the complement: TNIP1 is on the minus strand). VCF-style: chr5-151056942-G-C. GRCh37 (hg19) VCF-style: chr5-150436503-G-C.
Other names: c.451C>G, p.Pro151Ala (NM_001252385.2, NM_001252390.2, NM_001252391.2 and 6 more transcripts); c.292C>G, p.Pro98Ala (NM_001252386.2, NM_001364486.2); short protein forms P151A, P98A.
Identifiers: ClinVar variation 1244000 (VCV001244000.2), dbSNP rs2233290, ClinGen allele CA3516307.

ClinVar aggregate classification (germline): Benign (1 of 4 stars; one submission).

Allele frequency attached by ClinVar (database versions not stated): gnomAD exomes 0.08250; ExAC 0.09039; 1000 Genomes Project 0.09525; 1000 Genomes Project 30x 0.10087; TOPMed 0.11692; ESP Exome Variant Server 0.11946.
gnomAD v4.1: 137,281 of 1,535,190 alleles (8.9%); highest among the groups gnomAD compares: African/African-American, 19%; 6,915 homozygotes.

Submission:

GeneDx
Classification: Benign. Last evaluated: 2020-04-30. Review status: criteria provided, single submitter. Criteria: GeneDx Variant Classification Process June 2021. Collection method: clinical testing. Allele origin: germline. Affected: yes.
Comment: This variant is associated with the following publications: (PMID: 23055271)